The following is an entry in ClinVar:

NM_001999.4(FBN2):c.1745A>G (p.Asn582Ser)

Gene: FBN2 (fibrillin 2; minus strand). Cytogenetic location: 5q23.3.
Variant type: single nucleotide variant.
Coding change: c.1745A>G on transcript NM_001999.4 (MANE Select); coding-DNA position 1745, A replaced by G.
Protein change: p.Asn582Ser; replaces asparagine 582 with serine.
Molecular consequence: missense variant.
Genome position (GRCh38, 1-based): chr5:128,377,856, T>C on the plus strand (A>G on the coding strand, the complement: FBN2 is on the minus strand). VCF-style: chr5-128377856-T-C. GRCh37 (hg19) VCF-style: chr5-127713549-T-C.
Other names: short protein forms N582S.
Identifiers: ClinVar variation 4841625 (VCV004841625.1).

ClinVar aggregate classification (germline): Uncertain significance (1 of 4 stars; one submission).

Conditions:
Familial thoracic aortic aneurysm and aortic dissection (TAAD). Also called: Thoracic aortic aneurysms and dissections. Identifiers: Orphanet 91387, MedGen C4707243, MONDO:0019625.

gnomAD v4.1: 6 of 1,613,472 alleles (0.00037%); highest among the groups gnomAD compares: South Asian, 0.0066%; no homozygotes.

Submission:

Ambry Genetics
Classification: Uncertain significance for Familial thoracic aortic aneurysm and aortic dissection. Last evaluated: 2026-01-12. Review status: criteria provided, single submitter. Criteria: Ambry Variant Classification Scheme 2023. Collection method: clinical testing. Allele origin: germline.
Comment: The p.N582S variant (also known as c.1745A>G), located in coding exon 13 of the FBN2 gene, results from an A to G substitution at nucleotide position 1745. The asparagine at codon 582 is replaced by serine, an amino acid with highly similar properties. This amino acid position is conserved. In addition, this alteration is predicted to be tolerated by in silico analysis. Based on the available evidence, the clinical significance of this variant remains unclear.